The following is an entry in ClinVar:

ClinVar aggregate classification (germline): Pathogenic. Review status: criteria provided, multiple submitters, no conflicts (2 of 4 stars). 2 submissions from 2 submitters: Pathogenic (2). Last evaluated 2026-06-11.

Conditions:
Hereditary spastic paraplegia 49 (HSAN9). Also called: Spastic paraplegia 49, autosomal recessive; NEUROPATHY, HEREDITARY SENSORY AND AUTONOMIC, TYPE IX, WITH DEVELOPMENTAL DELAY; TECPR2-Related Hereditary Sensory and Autonomic Neuropathy with Intellectual Disability. Identifiers: Orphanet 320385, MedGen C5190860, MONDO:0014016, OMIM 615031.

Allele frequency attached by ClinVar (database versions not stated): gnomAD exomes below 0.00001.
gnomAD v4.1: 1 of 1,609,196 alleles (0.000062%); highest among the groups gnomAD compares: Non-Finnish European, 0.000085%; no homozygotes.

Submissions (2):

Women's Health and Genetics/Laboratory Corporation of America, LabCorp
Classification: Pathogenic for Hereditary spastic paraplegia 49. Last evaluated: 2026-06-11. Review status: criteria provided, single submitter. Criteria: LabCorp Variant Classification Summary - May 2015. Collection method: clinical testing. Allele origin: germline.
Comment: Variant summary: TECPR2 c.2554C>T (p.Gln852X) results in a premature termination codon, predicted to cause a truncation of the encoded protein or absence of the protein due to nonsense mediated decay, which are commonly known mechanisms for disease. The variant allele was found at a frequency of 4.1e-06 in 245252 control chromosomes. To our knowledge, no occurrence of c.2554C>T in individuals affected with TECPR2-related conditions and no experimental evidence demonstrating its impact on protein function have been reported. ClinVar contains an entry for this variant (Variation ID: 2858007). Based on the evidence outlined above, the variant was classified as pathogenic.

Labcorp Genetics (formerly Invitae), Labcorp
Classification: Pathogenic for Hereditary spastic paraplegia 49. Last evaluated: 2023-04-20. Review status: criteria provided, single submitter. Criteria: Invitae Variant Classification Sherloc (09022015). Collection method: clinical testing. Allele origin: germline.
Comment: For these reasons, this variant has been classified as Pathogenic. Algorithms developed to predict the effect of sequence changes on RNA splicing suggest that this variant may create or strengthen a splice site. This variant has not been reported in the literature in individuals affected with TECPR2-related conditions. The frequency data for this variant in the population databases is considered unreliable, as metrics indicate poor data quality at this position in the gnomAD database. This sequence change creates a premature translational stop signal (p.Gln852*) in the TECPR2 gene. It is expected to result in an absent or disrupted protein product. Loss-of-function variants in TECPR2 are known to be pathogenic (PMID: 23176824, 25590979).

Literature cited by the submitters: PubMed 23176824 (cited by Labcorp Genetics (formerly Invitae), Labcorp); PubMed 25590979 (cited by Labcorp Genetics (formerly Invitae), Labcorp).

NM_014844.5(TECPR2):c.2554C>T (p.Gln852Ter)

Gene: TECPR2 (tectonin beta-propeller repeat containing 2; plus strand). Cytogenetic location: 14q32.31.
Variant type: single nucleotide variant.
Coding change: c.2554C>T on transcript NM_014844.5 (MANE Select); coding-DNA position 2554, C replaced by T.
Protein change: p.Gln852Ter; replaces glutamine 852 with a stop codon.
Molecular consequence: nonsense.
Genome position (GRCh38, 1-based): chr14:102,438,181, C>T. VCF-style: chr14-102438181-C-T. GRCh37 (hg19) VCF-style: chr14-102904518-C-T.
Other names: c.2554C>T, p.Gln852Ter (NM_001172631.3); short protein forms Q852*.
Identifiers: ClinVar variation 2858007 (VCV002858007.4), dbSNP rs1268839383, ClinGen allele CA391066085.